The following is an entry in ClinVar:

ClinVar aggregate classification (germline): Conflicting classifications of pathogenicity. Review status: criteria provided, conflicting classifications (1 of 4 stars). 3 submissions from 3 submitters: Uncertain significance (2); Likely benign (1). Last evaluated 2025-03-26.

Conditions:
Hereditary cancer-predisposing syndrome. Also called: Neoplastic Syndromes, Hereditary; Tumor predisposition; Hereditary Cancer Syndrome; Hereditary neoplastic syndrome. Identifiers: Orphanet 140162, MedGen C0027672, MeSH D009386, MONDO:0015356.
Familial cancer of breast. Also called: BREAST CANCER, FAMILIAL; Hereditary breast cancer; hereditary breast carcinoma. Identifiers: Orphanet 227535, MedGen C0346153, MONDO:0016419, OMIM 114480. Disease mechanism: loss of function.

gnomAD v4.1: 3 of 1,614,202 alleles (0.00019%); highest among the groups gnomAD compares: Non-Finnish European, 0.00025%; no homozygotes.

Submissions (3):

Labcorp Genetics (formerly Invitae), Labcorp
Classification: Uncertain significance for Familial cancer of breast. Last evaluated: 2025-03-26. Review status: criteria provided, single submitter. Criteria: Invitae Variant Classification Sherloc (09022015). Collection method: clinical testing. Allele origin: germline.
Comment: This sequence change replaces aspartic acid, which is acidic and polar, with valine, which is neutral and non-polar, at codon 665 of the PALB2 protein (p.Asp665Val). This variant is not present in population databases (gnomAD no frequency). This variant has not been reported in the literature in individuals affected with PALB2-related conditions. ClinVar contains an entry for this variant (Variation ID: 484166). Invitae Evidence Modeling of protein sequence and biophysical properties (such as structural, functional, and spatial information, amino acid conservation, physicochemical variation, residue mobility, and thermodynamic stability) indicates that this missense variant is not expected to disrupt PALB2 protein function with a negative predictive value of 80%. In summary, the available evidence is currently insufficient to determine the role of this variant in disease. Therefore, it has been classified as a Variant of Uncertain Significance.

Baylor Genetics
Classification: Uncertain significance for Familial cancer of breast. Last evaluated: 2023-12-15. Review status: criteria provided, single submitter. Criteria: ACMG Guidelines, 2015. Collection method: clinical testing. Allele origin: unknown.

Ambry Genetics
Classification: Likely benign for Hereditary cancer-predisposing syndrome. Last evaluated: 2023-11-02. Review status: criteria provided, single submitter. Criteria: Ambry Variant Classification Scheme 2023. Collection method: clinical testing. Allele origin: germline.

NM_024675.4(PALB2):c.1994A>T (p.Asp665Val)

Gene: PALB2 (partner and localizer of BRCA2; minus strand). Cytogenetic location: 16p12.2.
Variant type: single nucleotide variant.
Coding change: c.1994A>T on transcript NM_024675.4 (MANE Select); coding-DNA position 1994, A replaced by T.
Protein change: p.Asp665Val; replaces aspartic acid 665 with valine.
Molecular consequence: missense variant.
Genome position (GRCh38, 1-based): chr16:23,630,160, T>A on the plus strand (A>T on the coding strand, the complement: PALB2 is on the minus strand). VCF-style: chr16-23630160-T-A. GRCh37 (hg19) VCF-style: chr16-23641481-T-A.
Other names: short protein forms D665V.
Identifiers: ClinVar variation 484166 (VCV000484166.16), dbSNP rs1555460531, ClinGen allele CA395127211.
Genomic context (GRCh38, chr16:23,630,160, plus strand): 5'-TTGGGATGTGATTTTCCTGGTAGAACAATAAGGTCCTCTTCTAAGTCCTCCATTTCTGTA[T>A]CCATGCGTTTAGGACTCAGTTCCTCTGGAAAAATACAGCTTCCCTCTTTAAGATGTCTCT-3'
Protein context (NP_078951.2, residues 655-675): FPEELSPKRM[Asp665Val]TEMEDLEEDL